The following is an entry in ClinVar:

ClinVar aggregate classification (germline): Likely benign (1 of 4 stars; one submission).

gnomAD v4.1: 1 of 1,613,886 alleles (0.000062%); highest among the groups gnomAD compares: Non-Finnish European, 0.000085%; no homozygotes.

Submission:

CeGaT Center for Human Genetics Tuebingen
Classification: Likely benign. Last evaluated: 2024-02-01. Review status: criteria provided, single submitter. Criteria: CeGaT Center For Human Genetics Tuebingen Variant Classification Criteria Version 2. Collection method: clinical testing. Allele origin: germline. Affected: yes. Observed: 1 variant allele.
Comment: CHD7: PM2:Supporting, BP4, BP7

NM_017780.4(CHD7):c.828C>A (p.Ser276=)

Gene: CHD7 (chromodomain helicase DNA binding protein 7; plus strand). Cytogenetic location: 8q12.2.
Variant type: single nucleotide variant.
Coding change: c.828C>A on transcript NM_017780.4 (MANE Select); coding-DNA position 828, C replaced by A.
Protein change: p.Ser276=; no amino-acid change (serine 276 retained).
Molecular consequence: synonymous variant.
Genome position (GRCh38, 1-based): chr8:60,742,260, C>A. VCF-style: chr8-60742260-C-A. GRCh37 (hg19) VCF-style: chr8-61654819-C-A.
Other names: c.828C>A, p.Ser276= (NM_001316690.1).
Identifiers: ClinVar variation 3026561 (VCV003026561.22), dbSNP rs992508075, ClinGen allele CA461103516.
Genomic context (GRCh38, chr8:60,742,260, plus strand): 5'-CCATCACCACCCCTCTACTGCTCTCCATGGAGAATCCGTTGCCCACAGTCCCAGATTCTC[C>A]CCGAATCCTCCCCAACAAGGGGCTGTTAGGCCGCAAACCCTTAACTTTAGTTCTCGGAGC-3'
Protein context (NP_060250.2, residues 266-286): GESVAHSPRF[Ser276=]PNPPQQGAVR